The following is an entry in ClinVar:

ClinVar aggregate classification (germline): Uncertain significance (1 of 4 stars; one submission).

Conditions:
Brown-Vialetto-van Laere syndrome 1. Also called: BROWN-VIALETTO-VAN LAERE SYNDROME 1, MILD; BULBAR PALSY, PROGRESSIVE, WITH SENSORINEURAL DEAFNESS; PONTOBULBAR PALSY WITH DEAFNESS. Identifiers: Orphanet 572550, Orphanet 97229, MedGen C0796274, MONDO:0024537, OMIM 211530.

Submission:

Labcorp Genetics (formerly Invitae), Labcorp
Classification: Uncertain significance for Brown-Vialetto-van Laere syndrome 1. Last evaluated: 2025-12-08. Review status: criteria provided, single submitter. Criteria: Invitae Variant Classification Sherloc (09022015). Collection method: clinical testing. Allele origin: germline.
Comment: This sequence change replaces glutamic acid, which is acidic and polar, with lysine, which is basic and polar, at codon 249 of the SLC52A3 protein (p.Glu249Lys). This variant is not present in population databases (gnomAD no frequency). This variant has not been reported in the literature in individuals affected with SLC52A3-related conditions. ClinVar contains an entry for this variant (Variation ID: 2106584). Invitae Evidence Modeling of protein sequence and biophysical properties (such as structural, functional, and spatial information, amino acid conservation, physicochemical variation, residue mobility, and thermodynamic stability) indicates that this missense variant is not expected to disrupt SLC52A3 protein function with a negative predictive value of 95%. In summary, the available evidence is currently insufficient to determine the role of this variant in disease. Therefore, it has been classified as a Variant of Uncertain Significance.

NM_033409.4(SLC52A3):c.745G>A (p.Glu249Lys)

Gene: SLC52A3 (solute carrier family 52 member 3; minus strand). Cytogenetic location: 20p13.
Variant type: single nucleotide variant.
Coding change: c.745G>A on transcript NM_033409.4 (MANE Select); coding-DNA position 745, G replaced by A.
Protein change: p.Glu249Lys; replaces glutamic acid 249 with lysine.
Molecular consequence: missense variant.
Genome position (GRCh38, 1-based): chr20:763,826, C>T on the plus strand (G>A on the coding strand, the complement: SLC52A3 is on the minus strand). VCF-style: chr20-763826-C-T. GRCh37 (hg19) VCF-style: chr20-744470-C-T.
Other names: c.745G>A, p.Glu249Lys (NM_001370085.1, NM_001370086.1); short protein forms E249K.
Identifiers: ClinVar variation 2106584 (VCV002106584.2), dbSNP rs2514849066, ClinGen allele CA407963187.